The following is an entry in ClinVar:

ClinVar aggregate classification (germline): Benign. Review status: criteria provided, single submitter (1 of 4 stars). 3 submissions from 2 submitters: Benign (1). 2 of the submissions do not count toward it. Last evaluated 2019-07-12.

Conditions:
MELAS syndrome (MELAS). Also called: Juvenile myopathy, encephalopathy, lactic acidosis, stroke. Identifiers: Orphanet 550, MedGen C0162671, MONDO:0010789, OMIM 540000.
Mild liver congestion.
Sudden death. Identifiers: MedGen C0011071, HP:0001699.
Episodic vomiting. Also called: Frequent vomiting. Identifiers: MedGen C1838993, HP:0002572.
Developmental delay. Also called: Delayed development. Identifiers: MedGen C0424605.

Submissions (3):

Wong Mito Lab, Molecular and Human Genetics, Baylor College of Medicine
Classification: Benign for MELAS syndrome. Last evaluated: 2019-07-12. Review status: criteria provided, single submitter. Criteria: Modified ACMG Guidelines (Unpublished). Collection method: clinical testing. Allele origin: germline.
Comment: The NC_012920.1:m.14706A>G variant in MT-TE gene is interpreted to be a Benign variant based on the modified ACMG guidelines (unpublished). This variant meets the following evidence codes reported in the guidelines: BS1, BS4, BP4

Center for Neuroscience and Cell Biology, University of Coimbra, Portugal
Classification: Uncertain significance for Developmental delay. Last evaluated: 2016-11-21. Review status: no assertion criteria provided. Collection method: clinical testing. Allele origin: unknown. Affected: yes. Observed: 2 variant alleles. Not counted in ClinVar's aggregate classification.

Center for Neuroscience and Cell Biology, University of Coimbra, Portugal
Classification: Uncertain significance for Frequent vomiting; Mild liver congestion; Sudden death. Last evaluated: 2016-11-21. Review status: no assertion criteria provided. Collection method: clinical testing. Allele origin: unknown. Affected: yes. Observed: 2 variant alleles. Not counted in ClinVar's aggregate classification.

Literature cited by the submitters: PubMed 31965079 (cited by Wong Mito Lab, Molecular and Human Genetics, Baylor College of Medicine); PubMed 28027978 (cited by Center for Neuroscience and Cell Biology, University of Coimbra, Portugal).

NC_012920.1(MT-TE):m.14706A>G

Gene: MT-TE (mitochondrially encoded tRNA glutamic acid; minus strand).
Variant type: single nucleotide variant.
Genome position: chrM-14706-A-G.
Identifiers: ClinVar variation 370060 (VCV000370060.3), dbSNP rs1057516070, ClinGen allele CA16040637.